The following is an entry in ClinVar:

NM_001384140.1(PCDH15):c.4319C>T (p.Pro1440Leu)

Gene: PCDH15 (protocadherin related 15; minus strand). Cytogenetic location: 10q21.1.
Variant type: single nucleotide variant.
Coding change: c.4319C>T on transcript NM_001384140.1 (MANE Select); coding-DNA position 4319, C replaced by T.
Protein change: p.Pro1440Leu; replaces proline 1440 with leucine.
Molecular consequence: missense variant.
Genome position (GRCh38, 1-based): chr10:53,827,441, G>A on the plus strand (C>T on the coding strand, the complement: PCDH15 is on the minus strand). VCF-style: chr10-53827441-G-A. GRCh37 (hg19) VCF-style: chr10-55587201-G-A.
Other names: c.4334C>T, p.Pro1445Leu (NM_001142763.2, NM_001142771.2); c.4319C>T, p.Pro1440Leu (NM_001142764.2, NM_001142770.3, NM_001142772.2 and 3 more transcripts); c.4106C>T, p.Pro1369Leu (NM_001142765.2); c.4310C>T, p.Pro1437Leu (NM_001142766.2); c.4199C>T, p.Pro1400Leu (NM_001142767.2); c.4253C>T, p.Pro1418Leu (NM_001142768.2, NM_001354404.2); c.4355C>T, p.Pro1452Leu (NM_001142769.4); c.4244C>T, p.Pro1415Leu (NM_001142773.2); and 1 more; short protein forms P1418L, P1437L, P1440L, P1447L, P1369L, P1415L, P1445L, P1452L.
Identifiers: ClinVar variation 966182 (VCV000966182.4), dbSNP rs764173741, ClinGen allele CA5505371.

ClinVar aggregate classification (germline): Uncertain significance. Review status: criteria provided, multiple submitters, no conflicts (2 of 4 stars). 3 submissions from 3 submitters: Uncertain significance (2). 1 of the submissions does not count toward it. Last evaluated 2024-02-27.

Conditions:
Inborn genetic diseases. Identifiers: MedGen C0950123, MeSH D030342.
Usher syndrome type 1F (USH1F). Also called: USHER SYNDROME, TYPE IF. Identifiers: Orphanet 231169, Orphanet 886, MedGen C1865885, MONDO:0011186, OMIM 602083.

Allele frequency attached by ClinVar (database versions not stated): ExAC 0.00001; gnomAD exomes 0.00001; gnomAD 0.00003; TOPMed 0.00003.
gnomAD v4.1: 10 of 1,612,842 alleles (0.00062%); highest among the groups gnomAD compares: African/African-American, 0.0053%; no homozygotes.

Submissions (3):

Ambry Genetics
Classification: Uncertain significance for Inborn genetic diseases. Last evaluated: 2024-02-27. Review status: criteria provided, single submitter. Criteria: Ambry Variant Classification Scheme 2023. Collection method: clinical testing. Allele origin: germline.

Labcorp Genetics (formerly Invitae), Labcorp
Classification: Uncertain significance. Last evaluated: 2022-07-12. Review status: criteria provided, single submitter. Criteria: Invitae Variant Classification Sherloc (09022015). Collection method: clinical testing. Allele origin: germline.
Comment: This sequence change replaces proline, which is neutral and non-polar, with leucine, which is neutral and non-polar, at codon 1440 of the PCDH15 protein (p.Pro1440Leu). This variant is present in population databases (rs764173741, gnomAD 0.007%). This variant has not been reported in the literature in individuals affected with PCDH15-related conditions. ClinVar contains an entry for this variant (Variation ID: 966182). Algorithms developed to predict the effect of missense changes on protein structure and function (SIFT, PolyPhen-2, Align-GVGD) all suggest that this variant is likely to be tolerated. In summary, the available evidence is currently insufficient to determine the role of this variant in disease. Therefore, it has been classified as a Variant of Uncertain Significance.

Natera, Inc.
Classification: Uncertain significance for Usher syndrome type 1F. Last evaluated: 2020-07-20. Review status: no assertion criteria provided. Collection method: clinical testing. Allele origin: germline. Not counted in ClinVar's aggregate classification.